The following is an entry in ClinVar:

ClinVar aggregate classification (germline): Uncertain significance. Review status: criteria provided, multiple submitters, no conflicts (2 of 4 stars). 2 submissions from 2 submitters: Uncertain significance (2). Last evaluated 2023-12-04.

Conditions:
Inborn genetic diseases. Identifiers: MedGen C0950123, MeSH D030342.

Allele frequency attached by ClinVar (database versions not stated): gnomAD 0.00001 and 0.00002; TOPMed 0.00002; ExAC 0.00004; gnomAD exomes 0.00005 and 0.00008.
gnomAD v4.1: 51 of 1,612,462 alleles (0.0032%); highest among the groups gnomAD compares: East Asian, 0.11%; no homozygotes.

Submissions (2):

Ambry Genetics
Classification: Uncertain significance for Inborn genetic diseases. Last evaluated: 2023-12-04. Review status: criteria provided, single submitter. Criteria: Ambry Variant Classification Scheme 2023. Collection method: clinical testing. Allele origin: germline.

Labcorp Genetics (formerly Invitae), Labcorp
Classification: Uncertain significance. Last evaluated: 2021-09-18. Review status: criteria provided, single submitter. Criteria: Invitae Variant Classification Sherloc (09022015). Collection method: clinical testing. Allele origin: germline.
Comment: In summary, the available evidence is currently insufficient to determine the role of this variant in disease. Therefore, it has been classified as a Variant of Uncertain Significance. Algorithms developed to predict the effect of missense changes on protein structure and function are either unavailable or do not agree on the potential impact of this missense change (SIFT: "Tolerated"; PolyPhen-2: "Possibly Damaging"; Align-GVGD: "Class C0"). This variant has not been reported in the literature in individuals affected with IARS2-related conditions. This variant is present in population databases (rs758999402, ExAC 0.06%). This sequence change replaces lysine with asparagine at codon 540 of the IARS2 protein (p.Lys540Asn). The lysine residue is weakly conserved and there is a moderate physicochemical difference between lysine and asparagine.

NM_018060.4(IARS2):c.1620G>T (p.Lys540Asn)

Gene: IARS2 (isoleucyl-tRNA synthetase 2, mitochondrial; plus strand). Cytogenetic location: 1q41.
Variant type: single nucleotide variant.
Coding change: c.1620G>T on transcript NM_018060.4 (MANE Select); coding-DNA position 1620, G replaced by T.
Protein change: p.Lys540Asn; replaces lysine 540 with asparagine.
Molecular consequence: missense variant.
Genome position (GRCh38, 1-based): chr1:220,114,454, G>T. VCF-style: chr1-220114454-G-T. GRCh37 (hg19) VCF-style: chr1-220287796-G-T.
Other names: c.1620G>T (NM_018060.3); short protein forms K540N.
Identifiers: ClinVar variation 1428593 (VCV001428593.5), dbSNP rs758999402, ClinGen allele CA1401466.